The following is an entry in ClinVar:

ClinVar aggregate classification (germline): Pathogenic. Review status: no assertion criteria provided (0 of 4 stars). 2 submissions from 2 submitters: Pathogenic (2). Last evaluated 2009-10-13.

Conditions:
Bardet-Biedl syndrome (BBS). Identifiers: Orphanet 110, MedGen C0752166, MONDO:0015229.
Bardet-Biedl syndrome 4 (BBS4). Identifiers: Orphanet 110, MedGen C2936864, MONDO:0014433, OMIM 615982.

Submissions (2):

GeneReviews
Classification: Pathogenic for Bardet-Biedl Syndrome. Last evaluated: 2009-10-13. Review status: no assertion criteria provided. Collection method: curation. Allele origin: unknown.
ClinVar note: Converted during submission from pathologic to Pathogenic.

OMIM
Classification: Pathogenic for BARDET-BIEDL SYNDROME 4. Last evaluated: 2005-02-01. Review status: no assertion criteria provided. Collection method: literature only. Allele origin: germline.

Literature cited by the submitters: PubMed 11381270 (cited by OMIM); PubMed 15654695 (cited by OMIM).

NM_033028.5(BBS4):c.77-216del

Gene: BBS4 (Bardet-Biedl syndrome 4; plus strand). Cytogenetic location: 15q24.1.
Variant type: Deletion.
Coding change: c.77-216del on transcript NM_033028.5 (MANE Select); 216 bases into the intron before coding-DNA position 77, one base deleted (A; older notation c.77-216delA).
Molecular consequence: intron variant.
Genome position (GRCh38, 1-based): chr15:72,709,484, A deleted; the last of 5 consecutive A bases (chr15:72,709,480-72,709,484); deleting any one gives the same sequence. VCF-style (leftmost placement, unchanged base first): chr15-72709479-TA-T. GRCh37 (hg19) VCF-style: chr15-73001820-TA-T.
Other names: EX3-4 DEL; c.77-220del; c.77-216del (NM_001320665.2); c.-445-216del (NM_001252678.2).
Identifiers: ClinVar variation 9146 (VCV000009146.3), dbSNP rs113994189, ClinGen allele CA254670.
Genomic context (GRCh38, chr15:72,709,479, plus strand): 5'-GATGATTTTATGTTTTTCAGTCCCAGTCATTATTTGATGAGAAACTGATATTACAAGCTT[TA>T]AAAACTCAAGATATGTATTCAACATGTAGTAGTAGAACAAGTATCTTAGTTTAATAGTCT-3'